The following is an entry in ClinVar:

ClinVar aggregate classification (germline): Uncertain significance (1 of 4 stars; one submission).

Submission:

MVZ Dr. Eberhard & Partner Dortmund
Classification: Uncertain significance. Last evaluated: 2020-01-29. Review status: criteria provided, single submitter. Criteria: ACMG Guidelines, 2015. Collection method: clinical testing. Allele origin: unknown. Observed: 1 heterozygote.
Comment: This variant is absent from controls in Exome Sequencing Project, 1000 Genomes Project and Exome Aggregation Consortium. There ist only a small physicochemical difference between Ser and Asn (Grantham distance: 46 [0-215]) but multiple lines of computational evidence support a deleterious effect on the gene or gene product: SIFT (v6.2.0): deleterious (score 0.02, median 3.07); MutationTaster (v2013): disease causing (prob 1); Polyphen: probably damaging (HumDiv 0.996; HumVar 0.969). It is a novel missense change at an amino acid residue where a different missense change determined to be pathogenic has been seen before (HGMD: c.2286T>G for p.(Ser762Arg), see Guizouarn et al. 2011: DOI 10.1111/j.1365-2141.2010.08454.x).

NM_000342.4(SLC4A1):c.2285G>A (p.Ser762Asn)

Gene: SLC4A1 (solute carrier family 4 member 1 (Diego blood group); minus strand). Cytogenetic location: 17q21.31.
Variant type: single nucleotide variant.
Coding change: c.2285G>A on transcript NM_000342.4 (MANE Select); coding-DNA position 2285, G replaced by A.
Protein change: p.Ser762Asn; replaces serine 762 with asparagine.
Molecular consequence: missense variant.
Genome position (GRCh38, 1-based): chr17:44,253,144, C>T on the plus strand (G>A on the coding strand, the complement: SLC4A1 is on the minus strand). VCF-style: chr17-44253144-C-T. GRCh37 (hg19) VCF-style: chr17-42330512-C-T.
Other names: short protein forms S762N.
Identifiers: ClinVar variation 996359 (VCV000996359.2), dbSNP rs2047357659, ClinGen allele CA399781426.